The following is an entry in ClinVar:

NM_182493.3(MYLK3):c.2359C>G (p.Gln787Glu)

Gene: MYLK3 (myosin light chain kinase 3; minus strand). Cytogenetic location: 16q11.2.
Variant type: single nucleotide variant.
Coding change: c.2359C>G on transcript NM_182493.3 (MANE Select); coding-DNA position 2359, C replaced by G.
Protein change: p.Gln787Glu; replaces glutamine 787 with glutamic acid.
Molecular consequence: missense variant.
Genome position (GRCh38, 1-based): chr16:46,709,580, G>C on the plus strand (C>G on the coding strand, the complement: MYLK3 is on the minus strand). VCF-style: chr16-46709580-G-C. GRCh37 (hg19) VCF-style: chr16-46743492-G-C.
Other names: c.1336C>G, p.Gln446Glu (NM_001308301.1); short protein forms Q787E, Q446E.
Identifiers: ClinVar variation 1464203 (VCV001464203.8), dbSNP rs2143012377, ClinGen allele CA395785708.

ClinVar aggregate classification (germline): Uncertain significance (1 of 4 stars; one submission).

Submission:

Labcorp Genetics (formerly Invitae), Labcorp
Classification: Uncertain significance. Last evaluated: 2021-07-13. Review status: criteria provided, single submitter. Criteria: Invitae Variant Classification Sherloc (09022015). Collection method: clinical testing. Allele origin: germline.
Comment: Algorithms developed to predict the effect of missense changes on protein structure and function are either unavailable or do not agree on the potential impact of this missense change (SIFT: "Tolerated"; PolyPhen-2: "Possibly Damaging"; Align-GVGD: "Class C0"). In summary, the available evidence is currently insufficient to determine the role of this variant in disease. Therefore, it has been classified as a Variant of Uncertain Significance. This variant has not been reported in the literature in individuals affected with MYLK3-related conditions. This sequence change replaces glutamine with glutamic acid at codon 787 of the MYLK3 protein (p.Gln787Glu). The glutamine residue is highly conserved and there is a small physicochemical difference between glutamine and glutamic acid. This variant is not present in population databases (ExAC no frequency).